The following is an entry in ClinVar:

NM_015175.3(NBEAL2):c.6866G>A (p.Arg2289Gln)

Gene: NBEAL2 (neurobeachin like 2; plus strand). Cytogenetic location: 3p21.31.
Variant type: single nucleotide variant.
Coding change: c.6866G>A on transcript NM_015175.3 (MANE Select); coding-DNA position 6866, G replaced by A.
Protein change: p.Arg2289Gln; replaces arginine 2289 with glutamine.
Molecular consequence: missense variant.
Genome position (GRCh38, 1-based): chr3:47,006,010, G>A. VCF-style: chr3-47006010-G-A. GRCh37 (hg19) VCF-style: chr3-47047500-G-A.
Other names: p.Arg2289Gln; c.6764G>A, p.Arg2255Gln (NM_001365116.2); short protein forms R2289Q, R2255Q.
Identifiers: ClinVar variation 345683 (VCV000345683.20), dbSNP rs181413143, ClinGen allele CA2361979.

ClinVar aggregate classification (germline): Conflicting classifications of pathogenicity. Review status: criteria provided, conflicting classifications (1 of 4 stars). 8 submissions from 8 submitters: Uncertain significance (1); Likely benign (5). 2 of the submissions do not count toward it. Last evaluated 2025-12-30.

Conditions:
NBEAL2-related disorder. Also called: NBEAL2-related condition.
Gray platelet syndrome (GPS). Also called: BLEEDING DISORDER, PLATELET-TYPE, 4. Identifiers: Orphanet 721, MedGen C0272302, MONDO:0007686, OMIM 139090.
Thrombocytopenia. Identifiers: MedGen C0040034, MeSH D013921, MONDO:0002049, HP:0001873.
Abnormal bleeding. Also called: Bleeding diathesis. Identifiers: MedGen C1458140, HP:0001892.

Allele frequency attached by ClinVar (database versions not stated): 1000 Genomes Project 30x 0.00109; 1000 Genomes Project 0.00140; TOPMed 0.00256; ExAC 0.00262; gnomAD 0.00289 and 0.00291; gnomAD exomes 0.00290; ESP Exome Variant Server 0.00324.
gnomAD v4.1: 6,555 of 1,613,754 alleles (0.41%); highest among the groups gnomAD compares: Non-Finnish European, 0.47%; 11 homozygotes.

Submissions (8):

Labcorp Genetics (formerly Invitae), Labcorp
Classification: Likely benign. Last evaluated: 2025-12-30. Review status: criteria provided, single submitter. Criteria: Invitae Variant Classification Sherloc (09022015). Collection method: clinical testing. Allele origin: germline.

Mayo Clinic Laboratories, Mayo Clinic
Classification: Likely benign. Last evaluated: 2025-09-15. Review status: criteria provided, single submitter. Criteria: ACMG Guidelines, 2015. Collection method: clinical testing. Allele origin: germline. Observed: 5 variant alleles.
Comment: BS1, BS2_supporting

Blueprint Genetics
Classification: Likely benign. Last evaluated: 2024-11-26. Review status: criteria provided, single submitter. Criteria: ACMG Guidelines, 2015. Collection method: clinical testing. Allele origin: germline.

Women's Health and Genetics/Laboratory Corporation of America, LabCorp
Classification: Likely benign. Last evaluated: 2024-03-21. Review status: criteria provided, single submitter. Criteria: LabCorp Variant Classification Summary - May 2015. Collection method: clinical testing. Allele origin: germline.
Comment: Variant summary: NBEAL2 c.6866G>A (p.Arg2289Gln) results in a conservative amino acid change located in the BEACH domain (IPR000409) of the encoded protein sequence. Two of four in-silico tools predict a benign effect of the variant on protein function. The variant allele was found at a frequency of 0.0029 in 249022 control chromosomes in the gnomAD database, including 1 homozygote. To our knowledge, no occurrence of c.6866G>A in individuals affected with Gray Platelet Syndrome and no experimental evidence demonstrating its impact on protein function have been reported. ClinVar contains an entry for this variant (Variation ID: 345683). Based on the evidence outlined above, the variant was classified as likely benign.

Genetic Services Laboratory, University of Chicago
Classification: Uncertain significance. Last evaluated: 2019-05-20. Review status: criteria provided, single submitter. Criteria: ACMG Guidelines, 2015. Collection method: clinical testing. Allele origin: germline. Affected: no.

Illumina Laboratory Services, Illumina
Classification: Likely benign for Gray platelet syndrome. Last evaluated: 2018-01-13. Review status: criteria provided, single submitter. Criteria: ICSL Variant Classification Criteria 13 December 2019. Collection method: clinical testing. Allele origin: germline.
Comment: This variant was observed in the ICSL laboratory as part of a predisposition screen in an ostensibly healthy population. It had not been previously curated by ICSL or reported in the Human Gene Mutation Database (HGMD: prior to June 1st, 2018), and was therefore a candidate for classification through an automated scoring system. Utilizing variant allele frequency, disease prevalence and penetrance estimates, and inheritance mode, an automated score was calculated to assess if this variant is too frequent to cause the disease. Based on the score and internal cut-off values, a variant classified as likely benign is not then subjected to further curation. The score for this variant resulted in a classification of likely benign for this disease.

Birmingham Platelet Group; University of Birmingham
Classification: Uncertain significance for Thrombocytopenia; Abnormal bleeding. Last evaluated: 2020-05-01. Review status: no assertion criteria provided. Collection method: research. Allele origin: germline. Affected: yes. Not counted in ClinVar's aggregate classification.

PreventionGenetics, part of Exact Sciences
Classification: Likely benign for NBEAL2-related condition. Last evaluated: 2019-06-19. Review status: no assertion criteria provided. Collection method: clinical testing. Allele origin: germline. Not counted in ClinVar's aggregate classification.
Comment: This variant is classified as likely benign based on ACMG/AMP sequence variant interpretation guidelines (Richards et al. 2015 PMID: 25741868, with internal and published modifications).